The following is an entry in ClinVar:

ClinVar aggregate classification (germline): Likely benign (1 of 4 stars; one submission).

Conditions:
TRPC5-related disorder. Also called: TRPC5-related condition.

Submission:

PreventionGenetics, part of Exact Sciences
Classification: Likely benign for TRPC5-related condition. Last evaluated: 2025-11-24. Review status: criteria provided, single submitter. Criteria: ACMG Guidelines, 2015. Collection method: clinical testing. Allele origin: germline.
Comment: This variant is classified as likely benign based on ACMG/AMP sequence variant interpretation guidelines (Richards et al. 2015 PMID: 25741868, with internal and published modifications).

NM_012471.3(TRPC5):c.2697T>C (p.Ile899=)

Gene: TRPC5 (transient receptor potential cation channel subfamily C member 5; minus strand). Cytogenetic location: Xq23.
Variant type: single nucleotide variant.
Coding change: c.2697T>C on transcript NM_012471.3 (MANE Select); coding-DNA position 2697, T replaced by C.
Protein change: p.Ile899=; no amino-acid change (isoleucine 899 retained).
Molecular consequence: synonymous variant.
Genome position (GRCh38, 1-based): chrX:111,776,538, A>G on the plus strand (T>C on the coding strand, the complement: TRPC5 is on the minus strand). VCF-style: chrX-111776538-A-G. GRCh37 (hg19) VCF-style: chrX-111019766-A-G.
Identifiers: ClinVar variation 4989706 (VCV004989706.1).